The following is an entry in ClinVar:

NM_000238.4(KCNH2):c.345GAA[1] (p.Lys116del)

Gene: KCNH2 (potassium voltage-gated channel subfamily H member 2; minus strand). Cytogenetic location: 7q36.1.
Variant type: Microsatellite.
Coding change: c.345GAA[1] on transcript NM_000238.4 (MANE Select); one copy of the 3-base unit GAA starting at c.345; the reference has two copies in a row; one copy, 3 bases deleted.
Protein change: p.Lys116del; deletes lysine 116.
Molecular consequence: inframe deletion. On other transcripts: inframe indel (6).
Genome position (GRCh38, 1-based): chr7:150,959,694-150,959,696, TTC deleted on the plus strand (GAA on the coding strand, the reverse complement: KCNH2 is on the minus strand); deleting any 3 consecutive bases within chr7:150,959,694-150,959,699 gives the same sequence; the position shown is the placement nearest the transcript's 3' end. VCF-style (leftmost placement, unchanged base first): chr7-150959693-GTTC-G. GRCh37 (hg19) VCF-style: chr7-150656781-GTTC-G.
Other names: c.348_350delGAA (NM_000238.3); c.57_59GAA[1], p.Lys20del (NM_001406753.1, NM_001406756.1); c.168_170GAA[1], p.Lys57del (NM_001406755.1); c.45_47GAA[1], p.Lys16del (NM_001406757.1); c.345_347GAA[1], p.Lys116del (NM_172056.3); short protein forms K116del, K16del, K20del, K57del.
Identifiers: ClinVar variation 219562 (VCV000219562.12), dbSNP rs864622157, ClinGen allele CA349833.

ClinVar aggregate classification (germline): Uncertain significance. Review status: criteria provided, multiple submitters, no conflicts (2 of 4 stars). 3 submissions from 3 submitters: Uncertain significance (3). Last evaluated 2018-02-08.

Conditions:
Cardiovascular phenotype. Identifiers: MedGen CN230736.
Long QT syndrome (LQTS). Identifiers: MedGen C0023976, MeSH D008133, MONDO:0002442. Disease mechanism: loss of function. Inheritance: Various modes of inheritance.

Submissions (3):

Labcorp Genetics (formerly Invitae), Labcorp
Classification: Uncertain significance for Long QT syndrome. Last evaluated: 2018-02-08. Review status: criteria provided, single submitter. Criteria: Invitae Variant Classification Sherloc (09022015). Collection method: clinical testing. Allele origin: germline.
Comment: Experimental studies and prediction algorithms are not available for this variant, and the functional significance of the deleted amino acid is currently unknown. In summary, the available evidence is currently insufficient to determine the role of this variant in disease. Therefore, it has been classified as a Variant of Uncertain Significance. This variant has not been reported in the literature in individuals with KCNH2-related disease. ClinVar contains an entry for this variant (Variation ID: 219562). This variant is not present in population databases (ExAC no frequency). This variant, c.348_350delGAA, results in the deletion of 1 amino acids of the KCNH2 protein (p.Lys116del), but otherwise preserves the integrity of the reading frame.

GeneDx
Classification: Uncertain significance. Last evaluated: 2017-11-28. Review status: criteria provided, single submitter. Criteria: GeneDx Variant Classification (06012015). Collection method: clinical testing. Allele origin: germline. Affected: yes.
Comment: A variant of uncertain significance has been identified in the KCNH2 gene. The c.348_350delGAA variant has not been published as pathogenic or been reported as benign to our knowledge. This variant is not observed in large population cohorts (Lek et al., 2016). The c.348_350delGAA variant results in an in-frame deletion of a lysine residue, denoted p.K116del at a position that is conserved across species. Additionally, this variant is located in the PAS-associated C-terminal (PAC) domain, which, although distinct from the pore region, has been suggested to be enriched for pathogenic variants (Kapa et al., 2009). Furthermore, other in-frame deletions have been reported in the Human Genome Mutation database in association with LQTS (Stenson et al., 2014). However, this variant lacks observation in a significant number of affected individuals, segregation data, and functional evidence, which would further clarify its pathogenicity.

Ambry Genetics
Classification: Uncertain significance for Cardiovascular phenotype. Last evaluated: 2017-09-15. Review status: criteria provided, single submitter. Criteria: Ambry Variant Classification Scheme 2023. Collection method: clinical testing. Allele origin: germline.
Comment: The c.348_350delGAA variant (also known as p.K116del) is located in coding exon 3 of the KCNH2 gene. This variant results from an in-frame GAA deletion at nucleotide positions 348 to 350, causing the removal of a highly conserved lysine residue at codon 116, and is located in the PAC region of the protein. Since supporting evidence is limited at this time, the clinical significance of this alteration remains unclear.